The following is an entry in ClinVar:

NM_001330260.2(SCN8A):c.1415G>A (p.Gly472Asp)

Gene: SCN8A (sodium voltage-gated channel alpha subunit 8; plus strand). Cytogenetic location: 12q13.13.
Variant type: single nucleotide variant.
Coding change: c.1415G>A on transcript NM_001330260.2 (MANE Select); coding-DNA position 1415, G replaced by A.
Protein change: p.Gly472Asp; replaces glycine 472 with aspartic acid.
Molecular consequence: missense variant.
Genome position (GRCh38, 1-based): chr12:51,706,495, G>A. VCF-style: chr12-51706495-G-A. GRCh37 (hg19) VCF-style: chr12-52100279-G-A.
Other names: c.1415G>A, p.Gly472Asp (NM_001177984.3, NM_001369788.1, NM_014191.4); short protein forms G472D.
Identifiers: ClinVar variation 1494824 (VCV001494824.7), dbSNP rs758546871, ClinGen allele CA6571257.
Genomic context (GRCh38, chr12:51,706,495, plus strand): 5'-CCACTTCAGCAGGAACTGTCTCAGAAGATGCCATAGAGGAAGAAGGTGAAGAAGGAGGGG[G>A]CTCCCCTCGGAGCTCTTCTGAAATCTCTAAACTCAGCTCAAAGAGTGCAAAGGAAAGACG-3'
Protein context (NP_001317189.1, residues 462-482): AIEEEGEEGG[Gly472Asp]SPRSSSEISK

ClinVar aggregate classification (germline): Uncertain significance (1 of 4 stars; one submission).

Conditions:
Early-infantile DEE. Also called: Early infantile epileptic encephalopathy; Early infantile epileptic encephalopathy with suppression bursts; Ohtahara syndrome. Identifiers: Orphanet 1934, MedGen C0393706, MONDO:0800491.

Allele frequency attached by ClinVar (database versions not stated): gnomAD exomes below 0.00001; ExAC 0.00001.
gnomAD v4.1: 2 of 1,605,398 alleles (0.00012%); highest among the groups gnomAD compares: South Asian, 0.0022%; no homozygotes.

Submission:

Labcorp Genetics (formerly Invitae), Labcorp
Classification: Uncertain significance for Early-infantile DEE. Last evaluated: 2023-04-09. Review status: criteria provided, single submitter. Criteria: Invitae Variant Classification Sherloc (09022015). Collection method: clinical testing. Allele origin: germline.
Comment: In summary, the available evidence is currently insufficient to determine the role of this variant in disease. Therefore, it has been classified as a Variant of Uncertain Significance. Advanced modeling of protein sequence and biophysical properties (such as structural, functional, and spatial information, amino acid conservation, physicochemical variation, residue mobility, and thermodynamic stability) performed at Invitae indicates that this missense variant is not expected to disrupt SCN8A protein function. ClinVar contains an entry for this variant (Variation ID: 1494824). This variant has not been reported in the literature in individuals affected with SCN8A-related conditions. The frequency data for this variant in the population databases is considered unreliable, as metrics indicate poor data quality at this position in the gnomAD database. This sequence change replaces glycine, which is neutral and non-polar, with aspartic acid, which is acidic and polar, at codon 472 of the SCN8A protein (p.Gly472Asp).